The following is an entry in ClinVar:

NM_006269.2(RP1):c.5384C>T (p.Pro1795Leu)

Genes: RP1 (RP1 axonemal microtubule associated; plus strand), LOC126860392 (CDK7 strongly-dependent group 2 enhancer GRCh37_chr8:55541319-55542518; plus strand). Cytogenetic location: 8q12.1.
Variant type: single nucleotide variant.
Coding change: c.5384C>T on transcript NM_006269.2 (MANE Select); coding-DNA position 5384, C replaced by T.
Protein change: p.Pro1795Leu; replaces proline 1795 with leucine.
Molecular consequence: missense variant. On other transcripts: intron variant (1).
Genome position (GRCh38, 1-based): chr8:54,629,266, C>T. VCF-style: chr8-54629266-C-T. GRCh37 (hg19) VCF-style: chr8-55541826-C-T.
Other names: c.787+6978C>T (NM_001375654.1); short protein forms P1795L.
Identifiers: ClinVar variation 1715356 (VCV001715356.6), dbSNP rs1806179399, ClinGen allele CA370986046.

ClinVar aggregate classification (germline): Uncertain significance (1 of 4 stars; one submission).

Allele frequency attached by ClinVar (database versions not stated): TOPMed below 0.00001.
gnomAD v4.1: 1 of 1,613,816 alleles (0.000062%); no homozygotes.

Submission:

Labcorp Genetics (formerly Invitae), Labcorp
Classification: Uncertain significance. Last evaluated: 2022-09-13. Review status: criteria provided, single submitter. Criteria: Invitae Variant Classification Sherloc (09022015). Collection method: clinical testing. Allele origin: germline.
Comment: In summary, the available evidence is currently insufficient to determine the role of this variant in disease. Therefore, it has been classified as a Variant of Uncertain Significance. Algorithms developed to predict the effect of missense changes on protein structure and function (SIFT, PolyPhen-2, Align-GVGD) all suggest that this variant is likely to be tolerated. This variant has not been reported in the literature in individuals affected with RP1-related conditions. This variant is not present in population databases (gnomAD no frequency). This sequence change replaces proline, which is neutral and non-polar, with leucine, which is neutral and non-polar, at codon 1795 of the RP1 protein (p.Pro1795Leu).